The following is an entry in ClinVar:

NM_000836.4(GRIN2D):c.3140G>T (p.Arg1047Leu)

Gene: GRIN2D (glutamate ionotropic receptor NMDA type subunit 2D; plus strand). Cytogenetic location: 19q13.33.
Variant type: single nucleotide variant.
Coding change: c.3140G>T on transcript NM_000836.4 (MANE Select); coding-DNA position 3140, G replaced by T.
Protein change: p.Arg1047Leu; replaces arginine 1047 with leucine.
Molecular consequence: missense variant.
Genome position (GRCh38, 1-based): chr19:48,443,066, G>T. VCF-style: chr19-48443066-G-T. GRCh37 (hg19) VCF-style: chr19-48946323-G-T.
Other names: short protein forms R1047L.
Identifiers: ClinVar variation 1523953 (VCV001523953.6), dbSNP rs1275513628, ClinGen allele CA406674958.

ClinVar aggregate classification (germline): Uncertain significance (1 of 4 stars; one submission).

gnomAD v4.1: 3 of 1,045,312 alleles (0.00029%); highest among the groups gnomAD compares: Non-Finnish European, 0.00035%; no homozygotes.

Submission:

Labcorp Genetics (formerly Invitae), Labcorp
Classification: Uncertain significance. Last evaluated: 2021-09-01. Review status: criteria provided, single submitter. Criteria: Invitae Variant Classification Sherloc (09022015). Collection method: clinical testing. Allele origin: germline.
Comment: The frequency data for this variant in the population databases is considered unreliable, as metrics indicate insufficient coverage at this position in the ExAC database. This sequence change replaces arginine with leucine at codon 1047 of the GRIN2D protein (p.Arg1047Leu). The arginine residue is weakly conserved and there is a moderate physicochemical difference between arginine and leucine. This variant has not been reported in the literature in individuals affected with GRIN2D-related conditions. Advanced modeling of protein sequence and biophysical properties (such as structural, functional, and spatial information, amino acid conservation, physicochemical variation, residue mobility, and thermodynamic stability) performed at Invitae indicates that this missense variant is not expected to disrupt GRIN2D protein function. In summary, the available evidence is currently insufficient to determine the role of this variant in disease. Therefore, it has been classified as a Variant of Uncertain Significance.